The following is an entry in ClinVar:

NM_000540.3(RYR1):c.14563G>T (p.Val4855Leu)

Gene: RYR1 (ryanodine receptor 1; plus strand). Cytogenetic location: 19q13.2.
Variant type: single nucleotide variant.
Coding change: c.14563G>T on transcript NM_000540.3 (MANE Select); coding-DNA position 14563, G replaced by T.
Protein change: p.Val4855Leu; replaces valine 4855 with leucine.
Molecular consequence: missense variant.
Genome position (GRCh38, 1-based): chr19:38,580,421, G>T. VCF-style: chr19-38580421-G-T. GRCh37 (hg19) VCF-style: chr19-39071061-G-T.
Other names: c.14548G>T, p.Val4850Leu (NM_001042723.2); short protein forms V4850L, V4855L.
Identifiers: ClinVar variation 1005641 (VCV001005641.14), dbSNP rs528225943, ClinGen allele CA061391.

ClinVar aggregate classification (germline): Uncertain significance. Review status: criteria provided, multiple submitters, no conflicts (2 of 4 stars). 6 submissions from 6 submitters: Uncertain significance (6). Last evaluated 2026-07-06.

Conditions:
Central core myopathy (CMYO1A). Also called: Central core disease; Myopathy, central fibrillar; CONGENITAL MYOPATHY 1A, AUTOSOMAL DOMINANT, WITH SUSCEPTIBILITY TO MALIGNANT HYPERTHERMIA. Identifiers: Orphanet 597, MedGen C5830701, MONDO:0007294, OMIM 117000.
Congenital myopathy with fiber type disproportion. Also called: Congenital fiber-type disproportion myopathy; Congenital fiber-type disproportion. Identifiers: Orphanet 2020, MedGen C0546264, MONDO:0009711. Inheritance: all.
Malignant hyperthermia, susceptibility to, 1 (MHS1). Also called: Anesthesia related hyperthermia; Malignant hyperpyrexia; Fulminating hyperpyrexia; Pharmacogenic myopathy; Malignant hyperthermia suceptibility 1; RYR1-Related Malignant Hyperthermia Susceptibility. Identifiers: Orphanet 423, MedGen C2930980, MONDO:0007783, OMIM 145600.
King Denborough syndrome (KDS). Identifiers: MedGen C1840365, MONDO:0020485, OMIM 619542.
Congenital multicore myopathy with external ophthalmoplegia (CMYO1B). Also called: Congenital myopathy 1B, autosomal recessive; Minicore myopathy; MULTICORE MYOPATHY; MULTIMINICORE DISEASE WITH EXTERNAL OPHTHALMOPLEGIA; Minicore myopathy with external ophthalmoplegia. Identifiers: Orphanet 598, Orphanet 98905, MedGen C1850674, MONDO:0009712, OMIM 255320, HP:0003789.
RYR1-related disorder. Also called: RYR1-related condition; RYR1-related disorders. Identifiers: MedGen CN239331.
Inborn genetic diseases. Identifiers: MedGen C0950123, MeSH D030342.

Allele frequency attached by ClinVar (database versions not stated): gnomAD exomes 0.00001 and below 0.00001; gnomAD 0.00005; ExAC 0.00001; TOPMed 0.00002; 1000 Genomes Project 30x 0.00016; 1000 Genomes Project 0.00020.
gnomAD v4.1: 15 of 1,614,164 alleles (0.00093%); highest among the groups gnomAD compares: African/African-American, 0.02%; no homozygotes.

Submissions (6):

Ambry Genetics
Classification: Uncertain significance for Inborn genetic diseases. Last evaluated: 2026-07-06. Review status: criteria provided, single submitter. Criteria: Ambry Variant Classification Scheme 2023. Collection method: clinical testing. Allele origin: germline.
Comment: The p.V4855L variant (also known as c.14563G>T), located in coding exon 101 of the RYR1 gene, results from a G to T substitution at nucleotide position 14563. The valine at codon 4855 is replaced by leucine, an amino acid with highly similar properties. This amino acid position is conserved. In addition, this alteration is predicted to be deleterious by in silico analysis. Based on the available evidence, the clinical significance of this variant remains unclear.

All of Us Research Program, National Institutes of Health
Classification: Uncertain significance for Malignant hyperthermia, susceptibility to, 1. Last evaluated: 2024-08-13. Review status: criteria provided, single submitter. Criteria: ACMG Guidelines, 2015. Collection method: clinical testing. Allele origin: germline. Inheritance: Autosomal dominant inheritance. Observed: 5 variant alleles, 5 heterozygotes.
Comment: This missense variant replaces valine with leucine at codon 4855 of the RYR1 protein. Computational prediction suggests that this variant may have deleterious impact on protein structure and function (internally defined REVEL score threshold >= 0.7, PMID: 27666373). To our knowledge, functional studies have not been reported for this variant. This variant has not been reported in individuals affected with RYR1-related disorders in the literature. This variant has been identified in 4/282854 chromosomes in the general population by the Genome Aggregation Database (gnomAD). The available evidence is insufficient to determine the role of this variant in disease conclusively. Therefore, this variant is classified as a Variant of Uncertain Significance.

This study involves interpretation of variants in research participants for the purpose of population health screening. Participant phenotype was not available at the time of variant classification. Additional details can be found in publication PMID: 35346344, PMCID: PMC8962531

Color Diagnostics, LLC DBA Color Health
Classification: Uncertain significance for Malignant hyperthermia, susceptibility to, 1. Last evaluated: 2024-07-10. Review status: criteria provided, single submitter. Criteria: ACMG Guidelines, 2015. Collection method: clinical testing. Allele origin: germline.
Comment: This missense variant replaces valine with leucine at codon 4855 of the RYR1 protein. Computational prediction suggests that this variant may have deleterious impact on protein structure and function. To our knowledge, functional studies have not been reported for this variant. This variant has not been reported in individuals affected with RYR1-related disorders in the literature. This variant has been identified in 4/282854 chromosomes in the general population by the Genome Aggregation Database (gnomAD). The available evidence is insufficient to determine the role of this variant in disease conclusively. Therefore, this variant is classified as a Variant of Uncertain Significance.

Labcorp Genetics (formerly Invitae), Labcorp
Classification: Uncertain significance for RYR1-related disorder. Last evaluated: 2023-07-14. Review status: criteria provided, single submitter. Criteria: Invitae Variant Classification Sherloc (09022015). Collection method: clinical testing. Allele origin: germline.
Comment: This sequence change replaces valine, which is neutral and non-polar, with leucine, which is neutral and non-polar, at codon 4855 of the RYR1 protein (p.Val4855Leu). This variant is present in population databases (rs528225943, gnomAD 0.02%). This variant has not been reported in the literature in individuals affected with RYR1-related conditions. ClinVar contains an entry for this variant (Variation ID: 1005641). Advanced modeling of protein sequence and biophysical properties (such as structural, functional, and spatial information, amino acid conservation, physicochemical variation, residue mobility, and thermodynamic stability) has been performed at Invitae for this missense variant, however the output from this modeling did not meet the statistical confidence thresholds required to predict the impact of this variant on RYR1 protein function. In summary, the available evidence is currently insufficient to determine the role of this variant in disease. Therefore, it has been classified as a Variant of Uncertain Significance.

Fulgent Genetics
Classification: Uncertain significance for Central core myopathy; Malignant hyperthermia, susceptibility to, 1; Congenital myopathy 4A, autosomal dominant; Congenital multicore myopathy with external ophthalmoplegia; King Denborough syndrome. Last evaluated: 2021-10-12. Review status: criteria provided, single submitter. Criteria: ACMG Guidelines, 2015. Collection method: clinical testing. Allele origin: unknown.

GeneDx
Classification: Uncertain significance. Last evaluated: 2020-10-16. Review status: criteria provided, single submitter. Criteria: GeneDx Variant Classification Process June 2021. Collection method: clinical testing. Allele origin: germline. Affected: yes.
Comment: Has not been previously published as pathogenic or benign to our knowledge; In silico analysis, which includes protein predictors and evolutionary conservation, supports a deleterious effect